The following is an entry in ClinVar:

NM_002890.3(RASA1):c.1355A>C (p.Asp452Ala)

Genes: CCNH (cyclin H; minus strand), RASA1 (RAS p21 protein activator 1; plus strand). Cytogenetic location: 5q14.3.
Variant type: single nucleotide variant.
Coding change: c.1355A>C on transcript NM_002890.3 (MANE Select); coding-DNA position 1355, A replaced by C.
Protein change: p.Asp452Ala; replaces aspartic acid 452 with alanine.
Molecular consequence: missense variant. On other transcripts: intron variant (1).
Genome position (GRCh38, 1-based): chr5:87,362,573, A>C. VCF-style: chr5-87362573-A-C. GRCh37 (hg19) VCF-style: chr5-86658390-A-C.
Other names: c.824A>C, p.Asp275Ala (NM_022650.3); c.933+32471T>G (NM_001364075.2); short protein forms D275A, D452A.
Identifiers: ClinVar variation 2042288 (VCV002042288.4), dbSNP rs2112456519, ClinGen allele CA360367415.

ClinVar aggregate classification (germline): Uncertain significance (1 of 4 stars; one submission).

Conditions:
Capillary malformation-arteriovenous malformation syndrome. Also called: Capillary malformation-arteriovenous malformation. Identifiers: Orphanet 137667, MedGen C1842180, MONDO:0012016.

Submission:

Labcorp Genetics (formerly Invitae), Labcorp
Classification: Uncertain significance for Capillary malformation-arteriovenous malformation syndrome. Last evaluated: 2022-08-09. Review status: criteria provided, single submitter. Criteria: Invitae Variant Classification Sherloc (09022015). Collection method: clinical testing. Allele origin: germline.
Comment: In summary, the available evidence is currently insufficient to determine the role of this variant in disease. Therefore, it has been classified as a Variant of Uncertain Significance. Algorithms developed to predict the effect of missense changes on protein structure and function (SIFT, PolyPhen-2, Align-GVGD) all suggest that this variant is likely to be tolerated. This variant has not been reported in the literature in individuals affected with RASA1-related conditions. This variant is not present in population databases (gnomAD no frequency). This sequence change replaces aspartic acid, which is acidic and polar, with alanine, which is neutral and non-polar, at codon 452 of the RASA1 protein (p.Asp452Ala).